The following is an entry in ClinVar:

NM_001101.5(ACTB):c.602C>T (p.Thr201Ile)

Gene: ACTB (actin beta; minus strand). Cytogenetic location: 7p22.1.
Variant type: single nucleotide variant.
Coding change: c.602C>T on transcript NM_001101.5 (MANE Select); coding-DNA position 602, C replaced by T.
Protein change: p.Thr201Ile; replaces threonine 201 with isoleucine.
Molecular consequence: missense variant.
Genome position (GRCh38, 1-based): chr7:5,528,481, G>A on the plus strand (C>T on the coding strand, the complement: ACTB is on the minus strand). VCF-style: chr7-5528481-G-A. GRCh37 (hg19) VCF-style: chr7-5568112-G-A.
Other names: short protein forms T201I.
Identifiers: ClinVar variation 1805821 (VCV001805821.1), dbSNP rs2533847578, ClinGen allele CA366702478.

ClinVar aggregate classification (germline): Likely pathogenic (1 of 4 stars; one submission).

Conditions:
Baraitser-Winter syndrome 1 (BRWS1). Also called: PACHYGYRIA, MENTAL RETARDATION, EPILEPSY, AND CHARACTERISTIC FACIES; MENTAL RETARDATION WITH EPILEPSY AND CHARACTERISTIC FACIES; BARAITSER-WINTER SYNDROME 1, ATYPICAL; Cerebrofrontofacial syndrome. Identifiers: Orphanet 2649, Orphanet 2995, MedGen C1855722, MONDO:0009470, OMIM 243310.

Submission:

Victorian Clinical Genetics Services, Murdoch Childrens Research Institute
Classification: Likely pathogenic for Baraitser-Winter syndrome 1. Last evaluated: 2020-10-19. Review status: criteria provided, single submitter. Criteria: ACMG Guidelines, 2015. Collection method: clinical testing. Allele origin: germline. Inheritance: Autosomal dominant inheritance. Affected: yes.
Comment: Based on the classification scheme VCGS_Germline_v1.3.3, this variant is classified as Likely pathogenic. Following criteria are met: 0103 – Loss of function and gain of function are known mechanisms of disease in this gene and are associated with Baraitser-Winter syndrome 1 (MIM #243310). Missense variants have been reported to cause a gain of function mechanism, while truncating variants have been reported to cause loss of function mechanism (PMID: 29220674). (I) 0107 - This gene is associated with autosomal dominant disease. (I) 0200 - Variant is predicted to result in a missense amino acid change from threonine to isoleucine. (I) 0251 - This variant is heterozygous. (I) 0301 - Variant is absent from gnomAD (both v2 and v3). (SP) 0502 - Missense variant with conflicting in silico predictions and uninformative conservation. (I) 0603 - Missense variant in a region that is highly intolerant to missense variation (high constraint region in DECIPHER). (SP) 0705 - No comparable missense variants have previous evidence for pathogenicity. (I) 0807 - This variant has no previous evidence of pathogenicity. (I) 0905 - No published segregation evidence has been identified for this variant. (I) 1007 - No published functional evidence has been identified for this variant. (SP) Legend: (SP) - Supporting pathogenic, (I) - Information, (SB) - Supporting benign

Literature cited by the submitters: PubMed 29220674.